The following is an entry in ClinVar:

NM_201384.3(PLEC):c.7885G>A (p.Gly2629Ser)

Gene: PLEC (plectin; minus strand). Cytogenetic location: 8q24.3.
Variant type: single nucleotide variant.
Coding change: c.7885G>A on transcript NM_201384.3 (MANE Select); coding-DNA position 7885, G replaced by A.
Protein change: p.Gly2629Ser; replaces glycine 2629 with serine.
Molecular consequence: missense variant.
Genome position (GRCh38, 1-based): chr8:143,921,936, C>T on the plus strand (G>A on the coding strand, the complement: PLEC is on the minus strand). VCF-style: chr8-143921936-C-T. GRCh37 (hg19) VCF-style: chr8-144996104-C-T.
Other names: c.7966G>A, p.Gly2656Ser (NM_000445.5); c.4585G>A, p.Gly1529Ser (NM_001410941.1); c.7843G>A, p.Gly2615Ser (NM_201378.4); c.7819G>A, p.Gly2607Ser (NM_201379.3); c.8296G>A, p.Gly2766Ser (NM_201380.4); c.7789G>A, p.Gly2597Ser (NM_201381.3); c.7885G>A, p.Gly2629Ser (NM_201382.4); c.7897G>A, p.Gly2633Ser (NM_201383.3); short protein forms G1529S, G2597S, G2607S, G2615S, G2629S, G2633S, G2656S, G2766S.
Identifiers: ClinVar variation 3068704 (VCV003068704.1), dbSNP rs2537529680, ClinGen allele CA372521362.

ClinVar aggregate classification (germline): Uncertain significance (1 of 4 stars; one submission).

Conditions:
Epidermolysis bullosa simplex. Also called: Epidermolysis bullosa simplex, Weber-Cockayne type (subtype); Epidermolysis bullosa simplex, Dowling-Meara type (subtype); Epidermolysis bullosa simplex with mottled pigmentation (subtype). Identifiers: Orphanet 304, MedGen C0079298, MONDO:0017610.

Submission:

Molecular Genetics, Royal Melbourne Hospital
Classification: Uncertain significance for Epidermolysis bullosa simplex. Last evaluated: 2024-01-05. Review status: criteria provided, single submitter. Criteria: ACMG Guidelines, 2015. Collection method: clinical testing. Allele origin: germline. Inheritance: Autosomal dominant inheritance. Affected: yes.
Comment: This sequence change in PLEC is predicted to replace glycine with serine at codon 2629, p.(Gly2629Ser). The glycine residue is highly conserved (100 vertebrates, Multiz Alignments), and is located in the globular 2 region. There is a small physicochemical difference between glycine and serine. This variant is absent from the population database gnomAD v4.0. To our knowledge, this variant is novel and has not been previously reported in the relevant scientific literature or databases. Computational evidence is uninformative for the missense substitution (REVEL = 0.394). Based on the classification scheme RMH Modified ACMG/AMP Guidelines v1.6.1, this variant is classified as a VARIANT OF UNCERTAIN SIGNIFICANCE. Following criteria are met: PM2_Supporting.